The following is an entry in ClinVar:

ClinVar aggregate classification (germline): Uncertain significance (1 of 4 stars; one submission).

gnomAD v4.1: 6 of 1,612,266 alleles (0.00037%); highest among the groups gnomAD compares: Middle Eastern, 0.033%; no homozygotes.

Submission:

GeneDx
Classification: Uncertain significance. Last evaluated: 2024-05-16. Review status: criteria provided, single submitter. Criteria: GeneDx Variant Classification Process June 2021. Collection method: clinical testing. Allele origin: germline. Affected: yes.
Comment: Not observed at significant frequency in large population cohorts (gnomAD); In silico analysis supports that this missense variant has a deleterious effect on protein structure/function; Has not been previously published as pathogenic or benign to our knowledge

NM_020401.4(NUP107):c.1817C>G (p.Ala606Gly)

Gene: NUP107 (nucleoporin 107; plus strand). Cytogenetic location: 12q15.
Variant type: single nucleotide variant.
Coding change: c.1817C>G on transcript NM_020401.4 (MANE Select); coding-DNA position 1817, C replaced by G.
Protein change: p.Ala606Gly; replaces alanine 606 with glycine.
Molecular consequence: missense variant.
Genome position (GRCh38, 1-based): chr12:68,731,192, C>G. VCF-style: chr12-68731192-C-G. GRCh37 (hg19) VCF-style: chr12-69124972-C-G.
Other names: c.1730C>G, p.Ala577Gly (NM_001330192.2); short protein forms A577G, A606G.
Identifiers: ClinVar variation 3377832 (VCV003377832.1).